The following is an entry in ClinVar:

ClinVar aggregate classification (germline): Benign. Review status: criteria provided, multiple submitters, no conflicts (2 of 4 stars). 3 submissions from 3 submitters: Benign (2). 1 of the submissions does not count toward it. Last evaluated 2026-02-02.

Conditions:
ATRN-related disorder. Also called: ATRN-related condition.

Allele frequency attached by ClinVar (database versions not stated): TOPMed 0.09984; ESP Exome Variant Server 0.10841; 1000 Genomes Project 0.05571; gnomAD exomes 0.13919 and 0.10105; 1000 Genomes Project 30x 0.05512; ExAC 0.10039.
gnomAD v4.1: 217,314 of 1,613,860 alleles (13%); highest among the groups gnomAD compares: Non-Finnish European, 16%; 16,721 homozygotes.

Submissions (3):

Labcorp Genetics (formerly Invitae), Labcorp
Classification: Benign. Last evaluated: 2026-02-02. Review status: criteria provided, single submitter. Criteria: Invitae Variant Classification Sherloc (09022015). Collection method: clinical testing. Allele origin: germline.

Breakthrough Genomics
Classification: Benign. Review status: criteria provided, single submitter. Criteria: ACMG Guidelines, 2015. Collection method: not provided. Allele origin: germline. Inheritance: Unknown mechanism. Affected: yes.

PreventionGenetics, part of Exact Sciences
Classification: Benign for ATRN-related condition. Last evaluated: 2024-07-29. Review status: no assertion criteria provided. Collection method: clinical testing. Allele origin: germline. Not counted in ClinVar's aggregate classification.
Comment: This variant is classified as benign based on ACMG/AMP sequence variant interpretation guidelines (Richards et al. 2015 PMID: 25741868, with internal and published modifications).

NM_139321.3(ATRN):c.4098C>T (p.Ala1366=)

Gene: ATRN (attractin; plus strand). Cytogenetic location: 20p13.
Variant type: single nucleotide variant.
Coding change: c.4098C>T on transcript NM_139321.3 (MANE Select); coding-DNA position 4098, C replaced by T.
Protein change: p.Ala1366=; no amino-acid change (alanine 1366 retained).
Molecular consequence: synonymous variant.
Genome position (GRCh38, 1-based): chr20:3,644,201, C>T. VCF-style: chr20-3644201-C-T. GRCh37 (hg19) VCF-style: chr20-3624848-C-T.
Other names: c.4098C>T (NM_139321.2).
Identifiers: ClinVar variation 1169881 (VCV001169881.12), dbSNP rs34398666, ClinGen allele CA9744733.